The following is an entry in ClinVar:

ClinVar aggregate classification (germline): Uncertain significance. Review status: criteria provided, multiple submitters, no conflicts (2 of 4 stars). 2 submissions from 2 submitters: Uncertain significance (2). Last evaluated 2021-08-14.

Conditions:
Inborn genetic diseases. Identifiers: MedGen C0950123, MeSH D030342.

Allele frequency attached by ClinVar (database versions not stated): TOPMed 0.00001; gnomAD exomes 0.00002 and 0.00006; gnomAD 0.00004; ExAC 0.00006.
gnomAD v4.1: 38 of 1,613,670 alleles (0.0024%); highest among the groups gnomAD compares: East Asian, 0.018%; no homozygotes.

Submissions (2):

Labcorp Genetics (formerly Invitae), Labcorp
Classification: Uncertain significance. Last evaluated: 2021-08-14. Review status: criteria provided, single submitter. Criteria: Invitae Variant Classification Sherloc (09022015). Collection method: clinical testing. Allele origin: germline.
Comment: This sequence change replaces valine with isoleucine at codon 455 of the PEPD protein (p.Val455Ile). The valine residue is moderately conserved and there is a small physicochemical difference between valine and isoleucine. This variant is present in population databases (rs747974977, ExAC 0.03%). This variant has not been reported in the literature in individuals affected with PEPD-related conditions. Algorithms developed to predict the effect of missense changes on protein structure and function (SIFT, PolyPhen-2, Align-GVGD) all suggest that this variant is likely to be tolerated. In summary, the available evidence is currently insufficient to determine the role of this variant in disease. Therefore, it has been classified as a Variant of Uncertain Significance.

Ambry Genetics
Classification: Uncertain significance for Inborn genetic diseases. Last evaluated: 2021-06-11. Review status: criteria provided, single submitter. Criteria: Ambry Variant Classification Scheme 2023. Collection method: clinical testing. Allele origin: germline.

NM_000285.4(PEPD):c.1363G>A (p.Val455Ile)

Gene: PEPD (peptidase D; minus strand). Cytogenetic location: 19q13.11.
Variant type: single nucleotide variant.
Coding change: c.1363G>A on transcript NM_000285.4 (MANE Select); coding-DNA position 1363, G replaced by A.
Protein change: p.Val455Ile; replaces valine 455 with isoleucine.
Molecular consequence: missense variant.
Genome position (GRCh38, 1-based): chr19:33,387,463, C>T on the plus strand (G>A on the coding strand, the complement: PEPD is on the minus strand). VCF-style: chr19-33387463-C-T. GRCh37 (hg19) VCF-style: chr19-33878369-C-T.
Other names: c.1240G>A, p.Val414Ile (NM_001166056.2); c.1171G>A, p.Val391Ile (NM_001166057.2); c.1363G>A (NM_000285.3); short protein forms V414I, V455I, V391I.
Identifiers: ClinVar variation 1391035 (VCV001391035.6), dbSNP rs747974977, ClinGen allele CA9363878.